The following is an entry in ClinVar:

NM_130468.4(CHST14):c.691C>G (p.Arg231Gly)

Gene: CHST14 (carbohydrate sulfotransferase 14; plus strand). Cytogenetic location: 15q15.1.
Variant type: single nucleotide variant.
Coding change: c.691C>G on transcript NM_130468.4 (MANE Select); coding-DNA position 691, C replaced by G.
Protein change: p.Arg231Gly; replaces arginine 231 with glycine.
Molecular consequence: missense variant.
Genome position (GRCh38, 1-based): chr15:40,471,904, C>G. VCF-style: chr15-40471904-C-G. GRCh37 (hg19) VCF-style: chr15-40764103-C-G.
Other names: short protein forms R231G.
Identifiers: ClinVar variation 1756156 (VCV001756156.2), dbSNP rs2543006279, ClinGen allele CA391766678.

ClinVar aggregate classification (germline): Uncertain significance (1 of 4 stars; one submission).

Conditions:
Cardiovascular phenotype. Identifiers: MedGen CN230736.

Submission:

Ambry Genetics
Classification: Uncertain significance for Cardiovascular phenotype. Last evaluated: 2019-12-15. Review status: criteria provided, single submitter. Criteria: Ambry Variant Classification Scheme 2023. Collection method: clinical testing. Allele origin: germline.
Comment: The p.R231G variant (also known as c.691C>G), located in coding exon 1 of the CHST14 gene, results from a C to G substitution at nucleotide position 691. The arginine at codon 231 is replaced by glycine, an amino acid with dissimilar properties. This amino acid position is not well conserved in available vertebrate species. In addition, this alteration is predicted to be tolerated by in silico analysis. Since supporting evidence is limited at this time, the clinical significance of this alteration remains unclear.